The following is an entry in ClinVar:

NM_000170.3(GLDC):c.493C>T (p.Gln165Ter)

Gene: GLDC (glycine decarboxylase; minus strand). Cytogenetic location: 9p24.1.
Variant type: single nucleotide variant.
Coding change: c.493C>T on transcript NM_000170.3 (MANE Select); coding-DNA position 493, C replaced by T.
Protein change: p.Gln165Ter; replaces glutamine 165 with a stop codon.
Molecular consequence: nonsense.
Genome position (GRCh38, 1-based): chr9:6,610,334, G>A on the plus strand (C>T on the coding strand, the complement: GLDC is on the minus strand). VCF-style: chr9-6610334-G-A. GRCh37 (hg19) VCF-style: chr9-6610334-G-A.
Other names: short protein forms Q165*.
Identifiers: ClinVar variation 1726944 (VCV001726944.2), dbSNP rs2129916804, ClinGen allele CA372898610.

ClinVar aggregate classification (germline): Likely pathogenic (1 of 4 stars; one submission).

Conditions:
Glycine encephalopathy. Also called: Non-ketotic hyperglycinemia; Nonketotic hyperglycinemia. Identifiers: Orphanet 407, MedGen C0751748, MONDO:0011612, HP:0008288.

Submission:

Myriad Genetics, Inc.
Classification: Likely pathogenic for Glycine encephalopathy 1. Last evaluated: 2022-01-02. Review status: criteria provided, single submitter. Criteria: Myriad Women's Health Autosomal Recessive and X-Linked Classification Criteria (2021). Collection method: clinical testing. Allele origin: unknown.
Comment: NM_000170.2(GLDC):c.493C>T(Q165*) is expected to be pathogenic in the context of glycine encephalopathy, GLDC-related. This variant is predicted to lead to an abnormal or absent protein product due to the creation of a premature termination codon in GLDC, a gene where loss-of-function variants are known to be pathogenic. Please note: this variant was assessed in the context of healthy population screening.